The following is an entry in ClinVar:

NM_000709.4(BCKDHA):c.884C>A (p.Ser295Ter)

Gene: BCKDHA (branched chain keto acid dehydrogenase E1 subunit alpha; plus strand). Cytogenetic location: 19q13.2.
Variant type: single nucleotide variant.
Coding change: c.884C>A on transcript NM_000709.4 (MANE Select); coding-DNA position 884, C replaced by A.
Protein change: p.Ser295Ter; replaces serine 295 with a stop codon.
Molecular consequence: nonsense.
Genome position (GRCh38, 1-based): chr19:41,422,659, C>A. VCF-style: chr19-41422659-C-A. GRCh37 (hg19) VCF-style: chr19-41928564-C-A.
Other names: c.881C>A, p.Ser294Ter (NM_001164783.2); short protein forms S294*, S295*.
Identifiers: ClinVar variation 1073900 (VCV001073900.8), dbSNP rs1318419473, ClinGen allele CA406013322.

ClinVar aggregate classification (germline): Pathogenic (1 of 4 stars; one submission).

Conditions:
Maple syrup urine disease (MSUD). Identifiers: Orphanet 511, MedGen C0024776, MeSH D008375, MONDO:0009563. Disease mechanism: loss of function.

Allele frequency attached by ClinVar (database versions not stated): gnomAD 0.00001; TOPMed 0.00002.
gnomAD v4.1: 2 of 1,614,072 alleles (0.00012%); highest among the groups gnomAD compares: African/African-American, 0.0027%; no homozygotes.

Submission:

Labcorp Genetics (formerly Invitae), Labcorp
Classification: Pathogenic for Maple syrup urine disease. Last evaluated: 2022-10-02. Review status: criteria provided, single submitter. Criteria: Invitae Variant Classification Sherloc (09022015). Collection method: clinical testing. Allele origin: germline.
Comment: For these reasons, this variant has been classified as Pathogenic. ClinVar contains an entry for this variant (Variation ID: 1073900). This variant has not been reported in the literature in individuals affected with BCKDHA-related conditions. This variant is present in population databases (no rsID available, gnomAD 0.01%). This sequence change creates a premature translational stop signal (p.Ser295*) in the BCKDHA gene. It is expected to result in an absent or disrupted protein product. Loss-of-function variants in BCKDHA are known to be pathogenic (PMID: 16786533, 22593002).

Literature cited by the submitters: PubMed 16786533; PubMed 22593002.